The following is an entry in ClinVar:

ClinVar aggregate classification (germline): Uncertain significance (1 of 4 stars; one submission).

Conditions:
Cardiovascular phenotype. Identifiers: MedGen CN230736.

Submission:

Ambry Genetics
Classification: Uncertain significance for Cardiovascular phenotype. Last evaluated: 2025-05-18. Review status: criteria provided, single submitter. Criteria: Ambry Variant Classification Scheme 2023. Collection method: clinical testing. Allele origin: germline.
Comment: The p.P760L variant (also known as c.2279C>T), located in coding exon 15 of the ABCA1 gene, results from a C to T substitution at nucleotide position 2279. The proline at codon 760 is replaced by leucine, an amino acid with similar properties. This amino acid position is conserved. In addition, this alteration is predicted to be deleterious by in silico analysis. Based on the available evidence, the clinical significance of this variant remains unclear.

NM_005502.4(ABCA1):c.2279C>T (p.Pro760Leu)

Gene: ABCA1 (ATP binding cassette subfamily A member 1; minus strand). Cytogenetic location: 9q31.1.
Variant type: single nucleotide variant.
Coding change: c.2279C>T on transcript NM_005502.4 (MANE Select); coding-DNA position 2279, C replaced by T.
Protein change: p.Pro760Leu; replaces proline 760 with leucine.
Molecular consequence: missense variant.
Genome position (GRCh38, 1-based): chr9:104,827,006, G>A on the plus strand (C>T on the coding strand, the complement: ABCA1 is on the minus strand). VCF-style: chr9-104827006-G-A. GRCh37 (hg19) VCF-style: chr9-107589287-G-A.
Other names: short protein forms P760L.
Identifiers: ClinVar variation 3935902 (VCV003935902.1).